The following is an entry in ClinVar:

ClinVar aggregate classification (germline): Pathogenic. Review status: criteria provided, single submitter (1 of 4 stars). 2 submissions from 2 submitters: Pathogenic (1). 1 of the submissions does not count toward it. Last evaluated 2023-06-01.

Conditions:
Cerebral arteriopathy with subcortical infarcts and leukoencephalopathy. Also called: Cerebral autosomal dominant arteriopathy with subcortical infarcts and leukoencephalopathy. Identifiers: MedGen C0751587, MONDO:0007432.

Submissions (2):

CeGaT Center for Human Genetics Tuebingen
Classification: Pathogenic. Last evaluated: 2023-06-01. Review status: criteria provided, single submitter. Criteria: CeGaT Center For Human Genetics Tuebingen Variant Classification Criteria Version 2. Collection method: clinical testing. Allele origin: germline. Affected: yes. Observed: 2 variant alleles.
Comment: NOTCH3: PM1:Strong, PM2, PP3, PP4, PS3:Supporting, PS4:Supporting

Molecular Genetics Laboratory, BC Children's and BC Women's Hospitals
Classification: Likely pathogenic for CADASIL. Last evaluated: 2020-07-20. Review status: no assertion criteria provided. Criteria: ACMG Guidelines, 2015. Collection method: clinical testing. Allele origin: germline. Affected: yes. Not counted in ClinVar's aggregate classification.

NM_000435.3(NOTCH3):c.967T>A (p.Cys323Ser)

Gene: NOTCH3 (notch receptor 3; minus strand). Cytogenetic location: 19p13.12.
Variant type: single nucleotide variant.
Coding change: c.967T>A on transcript NM_000435.3 (MANE Select); coding-DNA position 967, T replaced by A.
Protein change: p.Cys323Ser; replaces cysteine 323 with serine.
Molecular consequence: missense variant.
Genome position (GRCh38, 1-based): chr19:15,191,493, A>T on the plus strand (T>A on the coding strand, the complement: NOTCH3 is on the minus strand). VCF-style: chr19-15191493-A-T. GRCh37 (hg19) VCF-style: chr19-15302304-A-T.
Other names: short protein forms C323S.
Identifiers: ClinVar variation 1064640 (VCV001064640.36), dbSNP rs2145439777, ClinGen allele CA404530981.